The following is an entry in ClinVar:

NM_152703.5(SAMD9L):c.78C>A (p.Asp26Glu)

Gene: SAMD9L (sterile alpha motif domain containing 9 like; minus strand). Cytogenetic location: 7q21.2.
Variant type: single nucleotide variant.
Coding change: c.78C>A on transcript NM_152703.5 (MANE Select); coding-DNA position 78, C replaced by A.
Protein change: p.Asp26Glu; replaces aspartic acid 26 with glutamic acid.
Molecular consequence: missense variant.
Genome position (GRCh38, 1-based): chr7:93,135,894, G>T on the plus strand (C>A on the coding strand, the complement: SAMD9L is on the minus strand). VCF-style: chr7-93135894-G-T. GRCh37 (hg19) VCF-style: chr7-92765207-G-T.
Other names: c.78C>A, p.Asp26Glu (NM_001303496.3, NM_001303497.3, NM_001303498.3 and 5 more transcripts); c.78C>A (NM_152703.3, NM_152703.2); short protein forms D26E.
Identifiers: ClinVar variation 1980628 (VCV001980628.7), dbSNP rs1431086722, ClinGen allele CA368206951.

ClinVar aggregate classification (germline): Uncertain significance. Review status: criteria provided, multiple submitters, no conflicts (2 of 4 stars). 4 submissions from 4 submitters: Uncertain significance (3). 1 of the submissions does not count toward it. Last evaluated 2025-08-08.

Conditions:
Inborn genetic diseases. Identifiers: MedGen C0950123, MeSH D030342.
SAMD9L-related disorder. Also called: SAMD9L-related disorders; SAMD9L-related condition.

Allele frequency attached by ClinVar (database versions not stated): gnomAD 0.00001; gnomAD exomes 0.00001; TOPMed 0.00001.

Submissions (4):

Labcorp Genetics (formerly Invitae), Labcorp
Classification: Uncertain significance. Last evaluated: 2025-08-08. Review status: criteria provided, single submitter. Criteria: Invitae Variant Classification Sherloc (09022015). Collection method: clinical testing. Allele origin: germline.
Comment: This sequence change replaces aspartic acid, which is acidic and polar, with glutamic acid, which is acidic and polar, at codon 26 of the SAMD9L protein (p.Asp26Glu). This variant is not present in population databases (gnomAD no frequency). This variant has not been reported in the literature in individuals affected with SAMD9L-related conditions. ClinVar contains an entry for this variant (Variation ID: 1980628). An algorithm developed to predict the effect of missense changes on protein structure and function outputs the following: PolyPhen-2: "Benign". The glutamic acid amino acid residue is found in multiple mammalian species, which suggests that this missense change does not adversely affect protein function. In summary, the available evidence is currently insufficient to determine the role of this variant in disease. Therefore, it has been classified as a Variant of Uncertain Significance.

GeneDx
Classification: Uncertain significance. Last evaluated: 2025-02-19. Review status: criteria provided, single submitter. Criteria: GeneDx Variant Classification Process June 2021. Collection method: clinical testing. Allele origin: germline. Affected: yes.
Comment: Not observed at significant frequency in large population cohorts (gnomAD); In silico analysis indicates that this missense variant does not alter protein structure/function; Has not been previously published as pathogenic or benign to our knowledge

Ambry Genetics
Classification: Uncertain significance for Inborn genetic diseases. Last evaluated: 2025-02-15. Review status: criteria provided, single submitter. Criteria: Ambry Variant Classification Scheme 2023. Collection method: clinical testing. Allele origin: germline.
Comment: The p.D26E variant (also known as c.78C>A), located in coding exon 1 of the SAMD9L gene, results from a C to A substitution at nucleotide position 78. The aspartic acid at codon 26 is replaced by glutamic acid, an amino acid with highly similar properties. This amino acid position is conserved. In addition, this alteration is predicted to be tolerated by in silico analysis. Based on the available evidence, the clinical significance of this variant remains unclear.

PreventionGenetics, part of Exact Sciences
Classification: Uncertain significance for SAMD9L-related condition. Last evaluated: 2024-07-17. Review status: no assertion criteria provided. Collection method: clinical testing. Allele origin: germline. Not counted in ClinVar's aggregate classification.
Comment: The SAMD9L c.78C>A variant is predicted to result in the amino acid substitution p.Asp26Glu. To our knowledge, this variant has not been reported in the literature or in a large population database, indicating this variant is rare. At this time, the clinical significance of this variant is uncertain due to the absence of conclusive functional and genetic evidence.